The following is an entry in ClinVar:

NM_032043.3(BRIP1):c.2379+204G>T

Gene: BRIP1 (BRCA1 interacting DNA helicase 1; minus strand). Cytogenetic location: 17q23.2.
Variant type: single nucleotide variant.
Coding change: c.2379+204G>T on transcript NM_032043.3 (MANE Select); 204 bases into the intron after coding-DNA position 2379, G replaced by T.
Molecular consequence: intron variant.
Genome position (GRCh38, 1-based): chr17:61,742,809, C>A on the plus strand (G>T on the coding strand, the complement: BRIP1 is on the minus strand). VCF-style: chr17-61742809-C-A. GRCh37 (hg19) VCF-style: chr17-59820170-C-A.
Identifiers: ClinVar variation 679668 (VCV000679668.1), dbSNP rs12937232, ClinGen allele CA14438100.

ClinVar aggregate classification (germline): Benign (1 of 4 stars; one submission).

Allele frequency attached by ClinVar (database versions not stated): TOPMed 0.75160; 1000 Genomes Project 30x 0.76624; 1000 Genomes Project 0.76717; gnomAD 0.77088 and 0.77268.
gnomAD v4.1: 117,368 of 152,138 alleles (77%); highest among the groups gnomAD compares: African/African-American, 83%; 45,879 homozygotes.

Submission:

GeneDx
Classification: Benign. Last evaluated: 2018-06-20. Review status: criteria provided, single submitter. Criteria: GeneDx Variant Classification (06012015). Collection method: clinical testing. Allele origin: germline. Affected: yes.
Comment: This variant is considered likely benign or benign based on one or more of the following criteria: it is a conservative change, it occurs at a poorly conserved position in the protein, it is predicted to be benign by multiple in silico algorithms, and/or has population frequency not consistent with disease.